The following is an entry in ClinVar:

ClinVar aggregate classification (germline): Uncertain significance (1 of 4 stars; one submission).

Allele frequency attached by ClinVar (database versions not stated): gnomAD exomes below 0.00001; ExAC 0.00001; TOPMed 0.00002; gnomAD 0.00003.
gnomAD v4.1: 13 of 1,613,974 alleles (0.00081%); highest among the groups gnomAD compares: Non-Finnish European, 0.001%; no homozygotes.

Submission:

Labcorp Genetics (formerly Invitae), Labcorp
Classification: Uncertain significance. Last evaluated: 2022-09-04. Review status: criteria provided, single submitter. Criteria: Invitae Variant Classification Sherloc (09022015). Collection method: clinical testing. Allele origin: germline.
Comment: In summary, the available evidence is currently insufficient to determine the role of this variant in disease. Therefore, it has been classified as a Variant of Uncertain Significance. Algorithms developed to predict the effect of missense changes on protein structure and function (SIFT, PolyPhen-2, Align-GVGD) all suggest that this variant is likely to be disruptive. This variant has not been reported in the literature in individuals affected with KIF20A-related conditions. This variant is present in population databases (rs776074252, gnomAD 0.003%). This sequence change replaces tryptophan, which is neutral and slightly polar, with arginine, which is basic and polar, at codon 606 of the KIF20A protein (p.Trp606Arg).

NM_005733.3(KIF20A):c.1816T>C (p.Trp606Arg)

Gene: KIF20A (kinesin family member 20A; plus strand). Cytogenetic location: 5q31.2.
Variant type: single nucleotide variant.
Coding change: c.1816T>C on transcript NM_005733.3 (MANE Select); coding-DNA position 1816, T replaced by C.
Protein change: p.Trp606Arg; replaces tryptophan 606 with arginine.
Molecular consequence: missense variant.
Genome position (GRCh38, 1-based): chr5:138,184,939, T>C. VCF-style: chr5-138184939-T-C. GRCh37 (hg19) VCF-style: chr5-137520628-T-C.
Other names: short protein forms W606R.
Identifiers: ClinVar variation 1906258 (VCV001906258.5), dbSNP rs776074252, ClinGen allele CA3426711.